The following is an entry in ClinVar:

ClinVar aggregate classification (germline): Uncertain significance. Review status: criteria provided, multiple submitters, no conflicts (2 of 4 stars). 3 submissions from 3 submitters: Uncertain significance (3). Last evaluated 2025-08-30.

Conditions:
FG syndrome (FGS). Identifiers: MedGen C0220769, MONDO:0002010.
Familial thoracic aortic aneurysm and aortic dissection (TAAD). Also called: Thoracic aortic aneurysms and dissections. Identifiers: Orphanet 91387, MedGen C4707243, MONDO:0019625.

Allele frequency attached by ClinVar (database versions not stated): gnomAD exomes below 0.00001; ExAC 0.00001; gnomAD 0.00001; TOPMed 0.00001.
gnomAD v4.1: 4 of 1,209,093 alleles (0.00033%); highest among the groups gnomAD compares: Non-Finnish European, 0.00045%; no homozygotes.

Submissions (3):

Ambry Genetics
Classification: Uncertain significance for Familial thoracic aortic aneurysm and aortic dissection. Last evaluated: 2025-08-30. Review status: criteria provided, single submitter. Criteria: Ambry Variant Classification Scheme 2023. Collection method: clinical testing. Allele origin: germline.

GeneDx
Classification: Uncertain significance. Last evaluated: 2024-04-09. Review status: criteria provided, single submitter. Criteria: GeneDx Variant Classification Process June 2021. Collection method: clinical testing. Allele origin: germline. Affected: yes.
Comment: Not observed at significant frequency in large population cohorts (gnomAD); In silico analysis supports that this missense variant has a deleterious effect on protein structure/function; Has not been previously published as pathogenic or benign to our knowledge

Labcorp Genetics (formerly Invitae), Labcorp
Classification: Uncertain significance for FG syndrome. Last evaluated: 2024-01-30. Review status: criteria provided, single submitter. Criteria: Invitae Variant Classification Sherloc (09022015). Collection method: clinical testing. Allele origin: germline.
Comment: This sequence change replaces arginine, which is basic and polar, with cysteine, which is neutral and slightly polar, at codon 438 of the MED12 protein (p.Arg438Cys). This variant is present in population databases (rs771266719, gnomAD 0.001%). This variant has not been reported in the literature in individuals affected with MED12-related conditions. Advanced modeling of protein sequence and biophysical properties (such as structural, functional, and spatial information, amino acid conservation, physicochemical variation, residue mobility, and thermodynamic stability) performed at Invitae indicates that this missense variant is expected to disrupt MED12 protein function with a positive predictive value of 95%. In summary, the available evidence is currently insufficient to determine the role of this variant in disease. Therefore, it has been classified as a Variant of Uncertain Significance.

NM_005120.3(MED12):c.1312C>T (p.Arg438Cys)

Genes: MED12 (mediator complex subunit 12; plus strand), LOC126863275 (BRD4-independent group 4 enhancer GRCh37_chrX:70342400-70343599; plus strand). Cytogenetic location: Xq13.1.
Variant type: single nucleotide variant.
Coding change: c.1312C>T on transcript NM_005120.3 (MANE Select); coding-DNA position 1312, C replaced by T.
Protein change: p.Arg438Cys; replaces arginine 438 with cysteine.
Molecular consequence: missense variant.
Genome position (GRCh38, 1-based): chrX:71,122,571, C>T. VCF-style: chrX-71122571-C-T. GRCh37 (hg19) VCF-style: chrX-70342421-C-T.
Other names: c.1312C>T (NM_005120.2); short protein forms R438C.
Identifiers: ClinVar variation 2849392 (VCV002849392.5), dbSNP rs771266719, ClinGen allele CA10444162.